The following is an entry in ClinVar:

ClinVar aggregate classification (germline): Uncertain significance (1 of 4 stars; one submission).

gnomAD v4.1: 1 of 1,568,942 alleles (0.000064%); highest among the groups gnomAD compares: Non-Finnish European, 0.000086%; no homozygotes.

Submission:

Ambry Genetics
Classification: Uncertain significance. Last evaluated: 2025-09-10. Review status: criteria provided, single submitter. Criteria: Ambry Variant Classification Scheme 2023. Collection method: clinical testing. Allele origin: germline.
Comment: The p.T1744A variant (also known as c.5230A>G), located in coding exon 22 of the WNK2 gene, results from an A to G substitution at nucleotide position 5230. The threonine at codon 1744 is replaced by alanine, an amino acid with similar properties. This amino acid position is conserved. In addition, the in silico prediction for this alteration is inconclusive. Based on the available evidence, the clinical significance of this variant remains unclear.

NM_006648.4(WNK2):c.5230A>G (p.Thr1744Ala)

Gene: WNK2 (WNK lysine deficient protein kinase 2; plus strand). Cytogenetic location: 9q22.31.
Variant type: single nucleotide variant.
Coding change: c.5230A>G on transcript NM_006648.4 (MANE Select); coding-DNA position 5230, A replaced by G.
Protein change: p.Thr1744Ala; replaces threonine 1744 with alanine.
Molecular consequence: missense variant.
Genome position (GRCh38, 1-based): chr9:93,292,695, A>G. VCF-style: chr9-93292695-A-G. GRCh37 (hg19) VCF-style: chr9-96054977-A-G.
Other names: c.5341A>G, p.Thr1781Ala (NM_001282394.3); short protein forms T1781A, T1744A.
Identifiers: ClinVar variation 4201893 (VCV004201893.1).
Genomic context (GRCh38, chr9:93,292,695, plus strand): 5'-CGAGCTTTGGGGTCCCCTCGGAAACGTCCAGAGCAGCAGGATGTCAGCTCACCAGCCAAG[A>G]CTGTGGGCCGTTTCTCGGTGGTCAGCACTCAGGACGAGTGGACCCTGGCCTCCCCCCACA-3'
Protein context (NP_006639.3, residues 1734-1754): EQQDVSSPAK[Thr1744Ala]VGRFSVVSTQ